The following is an entry in ClinVar:

NM_000264.5(PTCH1):c.1586A>G (p.Lys529Arg)

Gene: PTCH1 (patched 1; minus strand). Cytogenetic location: 9q22.32.
Variant type: single nucleotide variant.
Coding change: c.1586A>G on transcript NM_000264.5 (MANE Select); coding-DNA position 1586, A replaced by G.
Protein change: p.Lys529Arg; replaces lysine 529 with arginine.
Molecular consequence: missense variant. On other transcripts: non-coding transcript variant (1).
Genome position (GRCh38, 1-based): chr9:95,476,775, T>C on the plus strand (A>G on the coding strand, the complement: PTCH1 is on the minus strand). VCF-style: chr9-95476775-T-C. GRCh37 (hg19) VCF-style: chr9-98239057-T-C.
Other names: c.1388A>G, p.Lys463Arg (NM_001083602.3); c.1583A>G, p.Lys528Arg (NM_001083603.3); c.1133A>G, p.Lys378Arg (NM_001083604.3, NM_001083605.3, NM_001083606.3 and 1 more transcripts); c.1430A>G, p.Lys477Arg (NM_001354918.2); short protein forms K477R, K463R, K528R, K378R, K529R.
Identifiers: ClinVar variation 4676068 (VCV004676068.1).

ClinVar aggregate classification (germline): Uncertain significance (1 of 4 stars; one submission).

Conditions:
Hereditary cancer-predisposing syndrome. Also called: Neoplastic Syndromes, Hereditary; Tumor predisposition; Hereditary Cancer Syndrome; Hereditary neoplastic syndrome. Identifiers: Orphanet 140162, MedGen C0027672, MeSH D009386, MONDO:0015356.

Submission:

Ambry Genetics
Classification: Uncertain significance for Hereditary cancer-predisposing syndrome. Last evaluated: 2025-11-17. Review status: criteria provided, single submitter. Criteria: Ambry Variant Classification Scheme 2023. Collection method: clinical testing. Allele origin: germline.
Comment: The p.K529R variant (also known as c.1586A>G), located in coding exon 11 of the PTCH1 gene, results from an A to G substitution at nucleotide position 1586. The lysine at codon 529 is replaced by arginine, an amino acid with highly similar properties. This amino acid position is conserved. In addition, the in silico prediction for this alteration is inconclusive. Based on the available evidence, the clinical significance of this variant remains unclear.